The following is an entry in ClinVar:

NM_001005273.3(CHD3):c.5465C>A (p.Pro1822Gln)

Gene: CHD3 (chromodomain helicase DNA binding protein 3; plus strand). Cytogenetic location: 17p13.1.
Variant type: single nucleotide variant.
Coding change: c.5465C>A on transcript NM_001005273.3 (MANE Select); coding-DNA position 5465, C replaced by A.
Protein change: p.Pro1822Gln; replaces proline 1822 with glutamine.
Molecular consequence: missense variant.
Genome position (GRCh38, 1-based): chr17:7,909,213, C>A. VCF-style: chr17-7909213-C-A. GRCh37 (hg19) VCF-style: chr17-7812531-C-A.
Other names: c.5642C>A, p.Pro1881Gln (NM_001005271.3); c.5363C>A, p.Pro1788Gln (NM_005852.4); short protein forms P1788Q, P1822Q, P1881Q.
Identifiers: ClinVar variation 1312955 (VCV001312955.2), dbSNP rs752113004, ClinGen allele CA397950015.

ClinVar aggregate classification (germline): Uncertain significance (1 of 4 stars; one submission).

Submission:

GeneDx
Classification: Uncertain significance. Last evaluated: 2020-07-10. Review status: criteria provided, single submitter. Criteria: GeneDx Variant Classification Process June 2021. Collection method: clinical testing. Allele origin: germline. Affected: yes.
Comment: Not observed in large population cohorts (Lek et al., 2016); In silico analysis supports that this missense variant has a deleterious effect on protein structure/function; Has not been previously published as pathogenic or benign to our knowledge